The following is an entry in ClinVar:

NM_005359.6(SMAD4):c.399C>G (p.Tyr133Ter)

Gene: SMAD4 (SMAD family member 4; plus strand). Cytogenetic location: 18q21.2.
Variant type: single nucleotide variant.
Coding change: c.399C>G on transcript NM_005359.6 (MANE Select); coding-DNA position 399, C replaced by G.
Protein change: p.Tyr133Ter; replaces tyrosine 133 with a stop codon.
Molecular consequence: nonsense.
Genome position (GRCh38, 1-based): chr18:51,048,835, C>G. VCF-style: chr18-51048835-C-G. GRCh37 (hg19) VCF-style: chr18-48575205-C-G.
Other names: short protein forms Y133*.
Identifiers: ClinVar variation 824470 (VCV000824470.4), dbSNP rs779069779, ClinGen allele CA402458766.

ClinVar aggregate classification (germline): Pathogenic (1 of 4 stars; one submission).

Conditions:
Hereditary cancer-predisposing syndrome. Also called: Neoplastic Syndromes, Hereditary; Tumor predisposition; Hereditary neoplastic syndrome; Hereditary Cancer Syndrome. Identifiers: Orphanet 140162, MedGen C0027672, MeSH D009386, MONDO:0015356.
Familial thoracic aortic aneurysm and aortic dissection (TAAD). Also called: Thoracic aortic aneurysms and dissections. Identifiers: Orphanet 91387, MedGen C4707243, MONDO:0019625.

Submission:

Ambry Genetics
Classification: Pathogenic for Hereditary cancer-predisposing syndrome; Familial thoracic aortic aneurysm and aortic dissection. Last evaluated: 2019-07-17. Review status: criteria provided, single submitter. Criteria: Ambry Variant Classification Scheme 2023. Collection method: clinical testing. Allele origin: germline.
Comment: The p.Y133* pathogenic mutation (also known as c.399C>G), located in coding exon 2 of the SMAD4 gene, results from a C to G substitution at nucleotide position 399. This changes the amino acid from a tyrosine to a stop codon within coding exon 2. This alteration is expected to result in loss of function by premature protein truncation or nonsense-mediated mRNA decay. As such, this alteration is interpreted as a disease-causing mutation.